The following is an entry in ClinVar:

ClinVar aggregate classification (germline): Uncertain significance (1 of 4 stars; one submission).

Submission:

GeneDx
Classification: Uncertain significance. Last evaluated: 2023-08-14. Review status: criteria provided, single submitter. Criteria: GeneDx Variant Classification Process June 2021. Collection method: clinical testing. Allele origin: germline. Affected: yes.
Comment: Not observed at significant frequency in large population cohorts (gnomAD); In silico analysis supports that this missense variant has a deleterious effect on protein structure/function; Has not been previously published as pathogenic or benign to our knowledge

NM_138694.4(PKHD1):c.5698C>G (p.Pro1900Ala)

Gene: PKHD1 (PKHD1 ciliary IPT domain containing fibrocystin/polyductin; minus strand). Cytogenetic location: 6p12.2.
Variant type: single nucleotide variant.
Coding change: c.5698C>G on transcript NM_138694.4 (MANE Select); coding-DNA position 5698, C replaced by G.
Protein change: p.Pro1900Ala; replaces proline 1900 with alanine.
Molecular consequence: missense variant.
Genome position (GRCh38, 1-based): chr6:52,010,362, G>C on the plus strand (C>G on the coding strand, the complement: PKHD1 is on the minus strand). VCF-style: chr6-52010362-G-C. GRCh37 (hg19) VCF-style: chr6-51875160-G-C.
Other names: c.5698C>G, p.Pro1900Ala (NM_170724.3); short protein forms P1900A.
Identifiers: ClinVar variation 3253259 (VCV003253259.1), dbSNP rs2128117137.